The following is an entry in ClinVar:

NM_000256.3(MYBPC3):c.1579C>A (p.Leu527Met)

Gene: MYBPC3 (myosin binding protein C3; minus strand). Cytogenetic location: 11p11.2.
Variant type: single nucleotide variant.
Coding change: c.1579C>A on transcript NM_000256.3 (MANE Select); coding-DNA position 1579, C replaced by A.
Protein change: p.Leu527Met; replaces leucine 527 with methionine.
Molecular consequence: missense variant.
Genome position (GRCh38, 1-based): chr11:47,342,623, G>T on the plus strand (C>A on the coding strand, the complement: MYBPC3 is on the minus strand). VCF-style: chr11-47342623-G-T. GRCh37 (hg19) VCF-style: chr11-47364174-G-T.
Other names: short protein forms L527M.
Identifiers: ClinVar variation 2773738 (VCV002773738.3), dbSNP rs1595846160, ClinGen allele CA380325065.

ClinVar aggregate classification (germline): Uncertain significance. Review status: criteria provided, multiple submitters, no conflicts (2 of 4 stars). 2 submissions from 2 submitters: Uncertain significance (2). Last evaluated 2024-05-30.

Conditions:
Cardiomyopathy (CMYO). Also called: Cardiomyopathies. Identifiers: Orphanet 167848, MedGen C0878544, MONDO:0004994, HP:0001638. Inheritance: Various modes of inheritance.
Hypertrophic cardiomyopathy. Also called: HYPERTROPHIC MYOCARDIOPATHY. Identifiers: Orphanet 217569, MedGen C0007194, MeSH D002312, MONDO:0005045, HP:0001639.

Submissions (2):

All of Us Research Program, National Institutes of Health
Classification: Uncertain significance for Hypertrophic cardiomyopathy. Last evaluated: 2024-05-30. Review status: criteria provided, single submitter. Criteria: ACMG Guidelines, 2015. Collection method: clinical testing. Allele origin: germline. Inheritance: Autosomal dominant inheritance. Observed: 1 variant allele, 1 heterozygote.
Comment: This missense variant replaces leucine with methionine at codon 527 of the MYBPC3 protein. Computational prediction suggests that this variant may not impact protein structure and function (internally defined REVEL score threshold <= 0.5, PMID: 27666373). To our knowledge, functional studies have not been reported for this variant. This variant has not been reported in individuals affected with cardiovascular disorders in the literature. This variant has not been identified in the general population by the Genome Aggregation Database (gnomAD). The available evidence is insufficient to determine the role of this variant in disease conclusively. Therefore, this variant is classified as a Variant of Uncertain Significance.

This study involves interpretation of variants in research participants for the purpose of population health screening. Participant phenotype was not available at the time of variant classification. Additional details can be found in publication PMID: 35346344, PMCID: PMC8962531

Color Diagnostics, LLC DBA Color Health
Classification: Uncertain significance for Cardiomyopathy. Last evaluated: 2024-03-06. Review status: criteria provided, single submitter. Criteria: ACMG Guidelines, 2015. Collection method: clinical testing. Allele origin: germline.
Comment: This missense variant replaces leucine with methionine at codon 527 of the MYBPC3 protein. Computational prediction suggests that this variant may not impact protein structure and function (internally defined REVEL score threshold <= 0.5, PMID: 27666373). To our knowledge, functional studies have not been reported for this variant. This variant has not been reported in individuals affected with cardiovascular disorders in the literature. This variant has not been identified in the general population by the Genome Aggregation Database (gnomAD). The available evidence is insufficient to determine the role of this variant in disease conclusively. Therefore, this variant is classified as a Variant of Uncertain Significance.